The following is an entry in ClinVar:

ClinVar aggregate classification (germline): Uncertain significance (1 of 4 stars; one submission).

Conditions:
Combined immunodeficiency due to CD3gamma deficiency. Also called: CD3-GAMMA DEFICIENCY; SCID-LIKE IMMUNODEFICIENCY, T CELL-PARTIAL, B CELL-POSITIVE, NK CELL-POSITIVE; Immunodeficiency 17; Immunodeficiency 17, CD3 gamma deficient. Identifiers: Orphanet 169082, MedGen C3810107, MONDO:0014276, OMIM 615607.

Allele frequency attached by ClinVar (database versions not stated): gnomAD exomes below 0.00001; TOPMed 0.00001.
gnomAD v4.1: 2 of 1,614,158 alleles (0.00012%); highest among the groups gnomAD compares: Non-Finnish European, 0.000085%; no homozygotes.

Submission:

Labcorp Genetics (formerly Invitae), Labcorp
Classification: Uncertain significance for Combined immunodeficiency due to CD3gamma deficiency. Last evaluated: 2021-05-27. Review status: criteria provided, single submitter. Criteria: Invitae Variant Classification Sherloc (09022015). Collection method: clinical testing. Allele origin: germline.
Comment: This variant is not present in population databases (ExAC no frequency). In summary, the available evidence is currently insufficient to determine the role of this variant in disease. Therefore, it has been classified as a Variant of Uncertain Significance. Algorithms developed to predict the effect of missense changes on protein structure and function are either unavailable or do not agree on the potential impact of this missense change (SIFT: "Deleterious"; PolyPhen-2: "Probably Damaging"; Align-GVGD: "Class C0"). This variant has not been reported in the literature in individuals with CD3G-related conditions. This sequence change replaces cysteine with arginine at codon 87 of the CD3G protein (p.Cys87Arg). The cysteine residue is highly conserved and there is a large physicochemical difference between cysteine and arginine.

NM_000073.3(CD3G):c.259T>C (p.Cys87Arg)

Genes: CD3G (CD3 gamma subunit of T-cell receptor complex; plus strand), LOC126861358 (BRD4-independent group 4 enhancer GRCh37_chr11:118220212-118221411; plus strand). Cytogenetic location: 11q23.3.
Variant type: single nucleotide variant.
Coding change: c.259T>C on transcript NM_000073.3 (MANE Select); coding-DNA position 259, T replaced by C.
Protein change: p.Cys87Arg; replaces cysteine 87 with arginine.
Molecular consequence: missense variant.
Genome position (GRCh38, 1-based): chr11:118,349,922, T>C. VCF-style: chr11-118349922-T-C. GRCh37 (hg19) VCF-style: chr11-118220637-T-C.
Other names: short protein forms C87R.
Identifiers: ClinVar variation 1397672 (VCV001397672.7), dbSNP rs1215412653, ClinGen allele CA382792792.
Genomic context (GRCh38, chr11:118,349,922, plus strand): 5'-GAAGATAAAAAAAAATGGAATCTGGGAAGTAATGCCAAGGACCCTCGAGGGATGTATCAG[T>C]GTAAAGGATCACAGAACAAGTCAAAACCACTCCAAGTGTATTACAGAAGTATGTAATCCC-3'
Protein context (NP_000064.1, residues 77-97): NAKDPRGMYQ[Cys87Arg]KGSQNKSKPL